The following is an entry in ClinVar:

NM_144997.7(FLCN):c.780-3C>A

Gene: FLCN (folliculin; minus strand). Cytogenetic location: 17p11.2.
Variant type: single nucleotide variant.
Coding change: c.780-3C>A on transcript NM_144997.7 (MANE Select); 3 bases into the intron before coding-DNA position 780, C replaced by A.
Molecular consequence: intron variant.
Genome position (GRCh38, 1-based): chr17:17,221,631, G>T on the plus strand (C>A on the coding strand, the complement: FLCN is on the minus strand). VCF-style: chr17-17221631-G-T. GRCh37 (hg19) VCF-style: chr17-17124945-G-T.
Other names: c.780-3C>A (NM_001353231.2, NM_001353230.2, NM_144606.7); c.834-3C>A (NM_001353229.2).
Identifiers: ClinVar variation 966971 (VCV000966971.10), dbSNP rs755253791, ClinGen allele CA1139665247.

ClinVar aggregate classification (germline): Uncertain significance. Review status: criteria provided, multiple submitters, no conflicts (2 of 4 stars). 2 submissions from 2 submitters: Uncertain significance (2). Last evaluated 2021-02-26.

Conditions:
Hereditary cancer-predisposing syndrome. Also called: Hereditary neoplastic syndrome; Hereditary Cancer Syndrome; Tumor predisposition; Neoplastic Syndromes, Hereditary. Identifiers: Orphanet 140162, MedGen C0027672, MeSH D009386, MONDO:0015356.
Birt-Hogg-Dube syndrome. Also called: Birt Hogg Dubé syndrome. Identifiers: Orphanet 122, MedGen C0346010, MONDO:0800444.

Submissions (3):

Ambry Genetics
Classification: Uncertain significance for Hereditary cancer-predisposing syndrome. Last evaluated: 2021-02-26. Review status: criteria provided, single submitter. Criteria: Ambry Variant Classification Scheme 2023. Collection method: clinical testing. Allele origin: germline.
Comment: The c.780-3C>A intronic variant results from a C to A substitution 3 nucleotides upstream from coding exon 5 in the FLCN gene. This nucleotide position is well conserved in available vertebrate species. In silico splice site analysis predicts that this alteration will not have any significant effect on splicing. Since supporting evidence is limited at this time, the clinical significance of this alteration remains unclear.

Labcorp Genetics (formerly Invitae), Labcorp
Classification: Uncertain significance for Birt-Hogg-Dube syndrome. Last evaluated: 2020-08-25. Review status: criteria provided, single submitter. Criteria: Invitae Variant Classification Sherloc (09022015). Collection method: clinical testing. Allele origin: germline.
Comment: This sequence change falls in intron 7 of the FLCN gene. It does not directly change the encoded amino acid sequence of the FLCN protein, but it affects a nucleotide within the consensus splice site of the intron. This variant is not present in population databases (ExAC no frequency). This variant has not been reported in the literature in individuals with FLCN-related conditions. Nucleotide substitutions within the consensus splice site are a relatively common cause of aberrant splicing (PMID: 17576681, 9536098). Algorithms developed to predict the effect of sequence changes on RNA splicing suggest that this variant may disrupt the consensus splice site, but this prediction has not been confirmed by published transcriptional studies. In summary, the available evidence is currently insufficient to determine the role of this variant in disease. Therefore, it has been classified as a Variant of Uncertain Significance.

Dr. Peter K. Rogan Lab, Western University
No classification provided (evidence only). Condition: Ovarian serous cystadenocarcinoma. Review status: no classification provided. Collection method: in vitro. Allele origin: not applicable. Functional consequence: retained intron. Not counted in ClinVar's aggregate classification.

Literature cited by the submitters: PubMed 17576681 (cited by Labcorp Genetics (formerly Invitae), Labcorp); PubMed 9536098 (cited by Labcorp Genetics (formerly Invitae), Labcorp).